The following is an entry in ClinVar:

NM_001267550.2(TTN):c.96225T>A (p.Val32075=)

Genes: TTN (titin; minus strand), TTN-AS1 (TTN antisense RNA 1; plus strand), LOC126806421 (CDK7 strongly-dependent group 2 enhancer GRCh37_chr2:179407630-179408829; plus strand). Cytogenetic location: 2q31.2.
Variant type: single nucleotide variant.
Coding change: c.96225T>A on transcript NM_001267550.2 (MANE Select); coding-DNA position 96225, T replaced by A.
Protein change: p.Val32075=; no amino-acid change (valine 32075 retained).
Molecular consequence: synonymous variant.
Genome position (GRCh38, 1-based): chr2:178,543,919, A>T on the plus strand (T>A on the coding strand, the complement: TTN is on the minus strand). VCF-style: chr2-178543919-A-T. GRCh37 (hg19) VCF-style: chr2-179408646-A-T.
Other names: p.V30434V:GTT>GTA; c.91302T>A, p.Val30434= (NM_001256850.1); c.69030T>A, p.Val23010= (NM_003319.4); c.88521T>A, p.Val29507= (NM_133378.4); c.69405T>A, p.Val23135= (NM_133432.3); c.69606T>A, p.Val23202= (NM_133437.4).
Identifiers: ClinVar variation 202527 (VCV000202527.46), dbSNP rs752745266, ClinGen allele CA309514.
Genomic context (GRCh38, chr2:178,543,919, plus strand): 5'-TGATTTCTTGCCAGATTGGTTTTCAGCTTCAATTGTGTATTTTCCAGCATCGTACCGATT[A>T]ACTTTGTCCACTATTAGCAATGAGTAGCTCTCAGTGGTGTCAATAATTGCCCGGCTTGCA-3'
Protein context (NP_001254479.2, residues 32065-32085): ESYSLLIVDK[Val32075=]NRYDAGKYTI

ClinVar aggregate classification (germline): Conflicting classifications of pathogenicity. Review status: criteria provided, conflicting classifications (1 of 4 stars). 7 submissions from 7 submitters: Uncertain significance (1); Likely benign (6). Last evaluated 2026-01-25.

Conditions:
TTN-related disorder. Also called: TTN-related condition; TTN-related disease; TTN-related disorders.
Cardiovascular phenotype. Identifiers: MedGen CN230736.
Autosomal recessive limb-girdle muscular dystrophy type 2J (LGMDR10). Also called: Limb-girdle muscular dystrophy, type 2J; MUSCULAR DYSTROPHY, LIMB-GIRDLE, AUTOSOMAL RECESSIVE 10. Identifiers: Orphanet 140922, MedGen C1837342, MONDO:0012127, OMIM 608807.
Dilated cardiomyopathy 1G (CMD1G). Identifiers: Orphanet 154, MedGen C1858763, MONDO:0011400, OMIM 604145.

Allele frequency attached by ClinVar (database versions not stated): gnomAD 0.00004 and 0.00006; TOPMed 0.00005; gnomAD exomes 0.00009; ExAC 0.00010.
gnomAD v4.1: 170 of 1,613,616 alleles (0.011%); highest among the groups gnomAD compares: South Asian, 0.066%; 1 homozygote.

Submissions (7):

Labcorp Genetics (formerly Invitae), Labcorp
Classification: Likely benign for Dilated cardiomyopathy 1G; Autosomal recessive limb-girdle muscular dystrophy type 2J. Last evaluated: 2026-01-25. Review status: criteria provided, single submitter. Criteria: Invitae Variant Classification Sherloc (09022015). Collection method: clinical testing. Allele origin: germline.

PreventionGenetics, part of Exact Sciences
Classification: Likely benign for TTN-related condition. Last evaluated: 2025-06-19. Review status: criteria provided, single submitter. Criteria: ACMG Guidelines, 2015. Collection method: clinical testing. Allele origin: germline.
Comment: This variant is classified as likely benign based on ACMG/AMP sequence variant interpretation guidelines (Richards et al. 2015 PMID: 25741868, with internal and published modifications).

Blueprint Genetics
Classification: Likely benign. Last evaluated: 2024-08-23. Review status: criteria provided, single submitter. Criteria: ACMG Guidelines, 2015. Collection method: clinical testing. Allele origin: germline.

CeGaT Center for Human Genetics Tuebingen
Classification: Likely benign. Last evaluated: 2023-02-01. Review status: criteria provided, single submitter. Criteria: CeGaT Center For Human Genetics Tuebingen Variant Classification Criteria Version 2. Collection method: clinical testing. Allele origin: germline. Affected: yes. Observed: 2 variant alleles.
Comment: TTN: BP4, BP7

Ambry Genetics
Classification: Likely benign for Cardiovascular phenotype. Last evaluated: 2020-02-26. Review status: criteria provided, single submitter. Criteria: Ambry Variant Classification Scheme 2023. Collection method: clinical testing. Allele origin: germline.

GeneDx
Classification: Likely benign. Last evaluated: 2019-03-14. Review status: criteria provided, single submitter. Criteria: GeneDx Variant Classification Process June 2021. Collection method: clinical testing. Allele origin: germline. Affected: yes.

Eurofins Ntd Llc (ga)
Classification: Uncertain significance. Last evaluated: 2017-05-05. Review status: criteria provided, single submitter. Criteria: EGL Classification Definitions 2015. Collection method: clinical testing. Allele origin: germline. Observed: 3 variant alleles, 3 heterozygotes.